The following is an entry in ClinVar:

NM_201384.3(PLEC):c.448C>T (p.Gln150Ter)

Gene: PLEC (plectin; minus strand). Cytogenetic location: 8q24.3.
Variant type: single nucleotide variant.
Coding change: c.448C>T on transcript NM_201384.3 (MANE Select); coding-DNA position 448, C replaced by T.
Protein change: p.Gln150Ter; replaces glutamine 150 with a stop codon.
Molecular consequence: nonsense.
Genome position (GRCh38, 1-based): chr8:143,936,002, G>A on the plus strand (C>T on the coding strand, the complement: PLEC is on the minus strand). VCF-style: chr8-143936002-G-A. GRCh37 (hg19) VCF-style: chr8-145010170-G-A.
Other names: c.529C>T, p.Gln177Ter (NM_000445.5, NM_001410941.1); c.406C>T, p.Gln136Ter (NM_201378.4); c.382C>T, p.Gln128Ter (NM_201379.3); c.859C>T, p.Gln287Ter (NM_201380.4); c.352C>T, p.Gln118Ter (NM_201381.3); c.448C>T, p.Gln150Ter (NM_201382.4); c.460C>T, p.Gln154Ter (NM_201383.3); short protein forms Q150*, Q287*, Q154*, Q118*, Q128*, Q136*, Q177*.
Identifiers: ClinVar variation 2171945 (VCV002171945.4), dbSNP rs1360142371, ClinGen allele CA372589290.

ClinVar aggregate classification (germline): Pathogenic (1 of 4 stars; one submission).

Conditions:
Epidermolysis bullosa simplex 5B, with muscular dystrophy (EBS5B). Also called: EPIDERMOLYSIS BULLOSA SIMPLEX AND LIMB-GIRDLE MUSCULAR DYSTROPHY; Epidermolysis bullosa simplex with muscular dystrophy. Identifiers: Orphanet 257, MedGen C2931072, MONDO:0009181, OMIM 226670.
Autosomal recessive limb-girdle muscular dystrophy type 2Q (LGMDR17). Also called: MUSCULAR DYSTROPHY, LIMB-GIRDLE, AUTOSOMAL RECESSIVE 17. Identifiers: Orphanet 254361, MedGen C3150989, MONDO:0013390, OMIM 613723.
Epidermolysis bullosa simplex, Ogna type (EBS5A). Also called: Pidermolysis bullosa simplex 5A, Ogna type; EPIDERMOLYSIS BULLOSA SIMPLEX 5A, OGNA TYPE. Identifiers: Orphanet 79401, MedGen C0432317, MONDO:0007555, OMIM 131950.
Epidermolysis bullosa simplex 5C, with pyloric atresia (EBS5C). Also called: PLEC-Related Epidermolysis Bullosa with Pyloric Atresia; Epidermolysis bullosa simplex with pyloric atresia; PLEC1-Related Epidermolysis Bullosa with Pyloric Atresia. Identifiers: Orphanet 158684, MedGen C2677349, MONDO:0012807, OMIM 612138.
Epidermolysis bullosa simplex with nail dystrophy (EBS5D). Identifiers: MedGen C4225309, MONDO:0014661, OMIM 616487.

Allele frequency attached by ClinVar (database versions not stated): TOPMed below 0.00001; gnomAD 0.00001; gnomAD exomes 0.00001.

Submission:

Labcorp Genetics (formerly Invitae), Labcorp
Classification: Pathogenic for Autosomal recessive limb-girdle muscular dystrophy type 2Q; Epidermolysis bullosa simplex, Ogna type; Epidermolysis bullosa simplex with nail dystrophy; Epidermolysis bullosa simplex 5C, with pyloric atresia; Epidermolysis bullosa simplex 5B, with muscular dystrophy. Last evaluated: 2023-08-11. Review status: criteria provided, single submitter. Criteria: Invitae Variant Classification Sherloc (09022015). Collection method: clinical testing. Allele origin: germline.
Comment: For these reasons, this variant has been classified as Pathogenic. ClinVar contains an entry for this variant (Variation ID: 2171945). This variant has not been reported in the literature in individuals affected with PLEC-related conditions. This variant is present in population databases (no rsID available, gnomAD 0.007%). This sequence change creates a premature translational stop signal (p.Gln177*) in the PLEC gene. It is expected to result in an absent or disrupted protein product. Loss-of-function variants in PLEC are known to be pathogenic (PMID: 20301336, 20447487, 21109228, 23289980, 28824526).

Literature cited by the submitters: PubMed 20301336; PubMed 20447487; PubMed 21109228; PubMed 23289980; PubMed 28824526.